The following is an entry in ClinVar:

ClinVar aggregate classification (germline): Uncertain significance (1 of 4 stars; one submission).

Submission:

Labcorp Genetics (formerly Invitae), Labcorp
Classification: Uncertain significance. Last evaluated: 2024-07-01. Review status: criteria provided, single submitter. Criteria: Invitae Variant Classification Sherloc (09022015). Collection method: clinical testing. Allele origin: germline.
Comment: This sequence change replaces cysteine, which is neutral and slightly polar, with glycine, which is neutral and non-polar, at codon 1261 of the CLTC protein (p.Cys1261Gly). This variant is not present in population databases (gnomAD no frequency). This variant has not been reported in the literature in individuals affected with CLTC-related conditions. Advanced modeling of protein sequence and biophysical properties (such as structural, functional, and spatial information, amino acid conservation, physicochemical variation, residue mobility, and thermodynamic stability) performed at Invitae indicates that this missense variant is not expected to disrupt CLTC protein function with a negative predictive value of 80%. In summary, the available evidence is currently insufficient to determine the role of this variant in disease. Therefore, it has been classified as a Variant of Uncertain Significance.

NM_004859.4(CLTC):c.3769T>G (p.Cys1257Gly)

Gene: CLTC (clathrin heavy chain; plus strand). Cytogenetic location: 17q23.1.
Variant type: single nucleotide variant.
Coding change: c.3769T>G on transcript NM_004859.4 (MANE Select); coding-DNA position 3769, T replaced by G.
Protein change: p.Cys1257Gly; replaces cysteine 1257 with glycine.
Molecular consequence: missense variant.
Genome position (GRCh38, 1-based): chr17:59,682,910, T>G. VCF-style: chr17-59682910-T-G. GRCh37 (hg19) VCF-style: chr17-57760271-T-G.
Other names: c.3781T>G, p.Cys1261Gly (NM_001288653.2); short protein forms C1257G, C1261G.
Identifiers: ClinVar variation 3655934 (VCV003655934.2).
Genomic context (GRCh38, chr17:59,682,910, plus strand): 5'-TTAAATAACTAGCCATGTTTTACATTTGAGTTCACAGAAAGGAAATGTTTATTCTAGGTC[T>G]GCTTCGCCTGTGTAGATGGGAAAGAATTCCGTCTTGCTCAGATGTGTGGACTTCATATTG-3'
Protein context (NP_004850.1, residues 1247-1267): ANSTRTWKEV[Cys1257Gly]FACVDGKEFR